The following is an entry in ClinVar:

ClinVar aggregate classification (germline): Uncertain significance (1 of 4 stars; one submission).

Conditions:
Familial thoracic aortic aneurysm and aortic dissection (TAAD). Also called: Thoracic aortic aneurysms and dissections. Identifiers: Orphanet 91387, MedGen C4707243, MONDO:0019625.

Submission:

Ambry Genetics
Classification: Uncertain significance for Familial thoracic aortic aneurysm and aortic dissection. Last evaluated: 2024-02-07. Review status: criteria provided, single submitter. Criteria: Ambry Variant Classification Scheme 2023. Collection method: clinical testing. Allele origin: germline.
Comment: The p.P1288S variant (also known as c.3862C>T), located in coding exon 31 of the FBN1 gene, results from a C to T substitution at nucleotide position 3862. The proline at codon 1288 is replaced by serine, an amino acid with similar properties. This amino acid position is well conserved in available vertebrate species. In addition, this alteration is predicted to be tolerated by in silico analysis. Based on the available evidence, the clinical significance of this alteration remains unclear.

NM_000138.5(FBN1):c.3862C>T (p.Pro1288Ser)

Gene: FBN1 (fibrillin 1; minus strand). Cytogenetic location: 15q21.1.
Variant type: single nucleotide variant.
Coding change: c.3862C>T on transcript NM_000138.5 (MANE Select); coding-DNA position 3862, C replaced by T.
Protein change: p.Pro1288Ser; replaces proline 1288 with serine.
Molecular consequence: missense variant.
Genome position (GRCh38, 1-based): chr15:48,481,757, G>A on the plus strand (C>T on the coding strand, the complement: FBN1 is on the minus strand). VCF-style: chr15-48481757-G-A. GRCh37 (hg19) VCF-style: chr15-48773954-G-A.
Other names: c.3862C>T, p.Pro1288Ser (NM_001406716.1); short protein forms P1288S.
Identifiers: ClinVar variation 3230414 (VCV003230414.1), dbSNP rs2505533771, ClinGen allele CA392322516.